The following is an entry in ClinVar:

ClinVar aggregate classification (germline): Conflicting classifications of pathogenicity. Review status: criteria provided, conflicting classifications (1 of 4 stars). 3 submissions from 3 submitters: Uncertain significance (2); Likely benign (1). Last evaluated 2022-11-23.

Conditions:
Inborn genetic diseases. Identifiers: MedGen C0950123, MeSH D030342.
Hypotonia, ataxia, developmental delay, and tooth enamel defect syndrome. Identifiers: MedGen C4693578, MONDO:0060666, OMIM 617915.

Allele frequency attached by ClinVar (database versions not stated): ExAC 0.00005; TOPMed 0.00009; gnomAD 0.00013.
gnomAD v4.1: 245 of 1,611,566 alleles (0.015%); highest among the groups gnomAD compares: Non-Finnish European, 0.019%; no homozygotes.

Submissions (3):

Revvity Omics, Revvity
Classification: Uncertain significance for Hypotonia, ataxia, developmental delay, and tooth enamel defect syndrome. Last evaluated: 2022-11-23. Review status: criteria provided, single submitter. Criteria: ACMG Guidelines, 2015. Collection method: clinical testing. Allele origin: germline.

Ambry Genetics
Classification: Likely benign for Inborn genetic diseases. Last evaluated: 2022-08-03. Review status: criteria provided, single submitter. Criteria: Ambry Variant Classification Scheme 2023. Collection method: clinical testing. Allele origin: germline.

Labcorp Genetics (formerly Invitae), Labcorp
Classification: Uncertain significance. Last evaluated: 2022-07-19. Review status: criteria provided, single submitter. Criteria: Invitae Variant Classification Sherloc (09022015). Collection method: clinical testing. Allele origin: germline.
Comment: This sequence change replaces glycine, which is neutral and non-polar, with serine, which is neutral and polar, at codon 238 of the CTBP1 protein (p.Gly238Ser). In summary, the available evidence is currently insufficient to determine the role of this variant in disease. Therefore, it has been classified as a Variant of Uncertain Significance. Algorithms developed to predict the effect of sequence changes on RNA splicing suggest that this variant may create or strengthen a splice site. Algorithms developed to predict the effect of missense changes on protein structure and function output the following: SIFT: "Tolerated"; PolyPhen-2: "Benign"; Align-GVGD: "Class C0". The serine amino acid residue is found in multiple mammalian species, which suggests that this missense change does not adversely affect protein function. This variant has not been reported in the literature in individuals affected with CTBP1-related conditions. This variant is present in population databases (rs750734000, gnomAD 0.02%).

NM_001012614.2(CTBP1):c.679G>A (p.Gly227Ser)

Genes: CTBP1 (C-terminal binding protein 1; minus strand), CTBP1-AS (CTBP1 antisense RNA; plus strand). Cytogenetic location: 4p16.3.
Variant type: single nucleotide variant.
Coding change: c.679G>A on transcript NM_001012614.2 (MANE Select); coding-DNA position 679, G replaced by A.
Protein change: p.Gly227Ser; replaces glycine 227 with serine.
Molecular consequence: missense variant. On other transcripts: non-coding transcript variant (1).
Genome position (GRCh38, 1-based): chr4:1,216,041, C>T on the plus strand (G>A on the coding strand, the complement: CTBP1 is on the minus strand). VCF-style: chr4-1216041-C-T. GRCh37 (hg19) VCF-style: chr4-1209829-C-T.
Other names: c.712G>A (NM_001328.2); c.712G>A, p.Gly238Ser (NM_001328.3, NM_001377186.1); c.679G>A, p.Gly227Ser (NM_001377187.1, NM_001377188.1, NM_001377189.1 and 4 more transcripts); short protein forms G238S, G227S.
Identifiers: ClinVar variation 2176965 (VCV002176965.8), dbSNP rs750734000, ClinGen allele CA2804335.
Genomic context (GRCh38, chr4:1,216,041, plus strand): 5'-CTCCACGCACCTGCTTGACGGTGAAGTCGTTGATGAGGTGGTGGTTGTGCTCGTTGAGGC[C>T]GCAGTGCAGGGTCACGCAGTCGCTGTGGAAGAGCAGGTCCTGCAGGGTGCTGACACGCTG-3'
Protein context (NP_001012632.1, residues 217-237): FHSDCVTLHC[Gly227Ser]LNEHNHHLIN